The following is an entry in ClinVar:

ClinVar aggregate classification (germline): Uncertain significance (1 of 4 stars; one submission).

Submission:

Ambry Genetics
Classification: Uncertain significance. Last evaluated: 2026-02-19. Review status: criteria provided, single submitter. Criteria: Ambry Variant Classification Scheme 2023. Collection method: clinical testing. Allele origin: germline.
Comment: The p.M66K variant (also known as c.197T>A), located in coding exon 1 of the TET2 gene, results from a T to A substitution at nucleotide position 197. The methionine at codon 66 is replaced by lysine, an amino acid with similar properties. This amino acid position is conserved. In addition, this alteration is predicted to be tolerated by in silico analysis. Based on the available evidence, the clinical significance of this variant remains unclear.

NM_001127208.3(TET2):c.197T>A (p.Met66Lys)

Genes: TET2 (tet methylcytosine dioxygenase 2; plus strand), TET2-AS1 (TET2 antisense RNA 1; minus strand). Cytogenetic location: 4q24.
Variant type: single nucleotide variant.
Coding change: c.197T>A on transcript NM_001127208.3 (MANE Select); coding-DNA position 197, T replaced by A.
Protein change: p.Met66Lys; replaces methionine 66 with lysine.
Molecular consequence: missense variant.
Genome position (GRCh38, 1-based): chr4:105,234,139, T>A. VCF-style: chr4-105234139-T-A. GRCh37 (hg19) VCF-style: chr4-106155296-T-A.
Other names: c.197T>A, p.Met66Lys (NM_017628.4); short protein forms M66K.
Identifiers: ClinVar variation 4825023 (VCV004825023.1).